The following is an entry in ClinVar:

NM_177438.3(DICER1):c.5033A>G (p.Lys1678Arg)

Gene: DICER1 (dicer 1, ribonuclease III; minus strand). Cytogenetic location: 14q32.13.
Variant type: single nucleotide variant.
Coding change: c.5033A>G on transcript NM_177438.3 (MANE Select); coding-DNA position 5033, A replaced by G.
Protein change: p.Lys1678Arg; replaces lysine 1678 with arginine.
Molecular consequence: missense variant.
Genome position (GRCh38, 1-based): chr14:95,095,887, T>C on the plus strand (A>G on the coding strand, the complement: DICER1 is on the minus strand). VCF-style: chr14-95095887-T-C. GRCh37 (hg19) VCF-style: chr14-95562224-T-C.
Other names: c.5033A>G, p.Lys1678Arg (NM_001195573.1, NM_001271282.3, NM_001291628.2 and 1 more transcripts); short protein forms K1678R.
Identifiers: ClinVar variation 640539 (VCV000640539.12), dbSNP rs1595337601, ClinGen allele CA390866050.

ClinVar aggregate classification (germline): Uncertain significance (1 of 4 stars; one submission).

Conditions:
DICER1-related tumor predisposition. Also called: DICER1 syndrome; DICER1-related pleuropulmonary blastoma cancer predisposition syndrome. Identifiers: Orphanet 284343, MedGen C3839822, MONDO:0100216.

Submission:

Labcorp Genetics (formerly Invitae), Labcorp
Classification: Uncertain significance for DICER1-related tumor predisposition. Last evaluated: 2019-02-28. Review status: criteria provided, single submitter. Criteria: Invitae Variant Classification Sherloc (09022015). Collection method: clinical testing. Allele origin: germline.
Comment: This variant is not present in population databases (ExAC no frequency). In summary, the available evidence is currently insufficient to determine the role of this variant in disease. Therefore, it has been classified as a Variant of Uncertain Significance. Algorithms developed to predict the effect of missense changes on protein structure and function (SIFT, PolyPhen-2, Align-GVGD) all suggest that this variant is likely to be tolerated, but these predictions have not been confirmed by published functional studies and their clinical significance is uncertain. This variant has not been reported in the literature in individuals with DICER1-related disease. This sequence change replaces lysine with arginine at codon 1678 of the DICER1 protein (p.Lys1678Arg). The lysine residue is highly conserved and there is a small physicochemical difference between lysine and arginine.